The following is an entry in ClinVar:

NM_021072.4(HCN1):c.1919A>G (p.Asn640Ser)

Gene: HCN1 (hyperpolarization activated cyclic nucleotide gated potassium channel 1; minus strand). Cytogenetic location: 5p12.
Variant type: single nucleotide variant.
Coding change: c.1919A>G on transcript NM_021072.4 (MANE Select); coding-DNA position 1919, A replaced by G.
Protein change: p.Asn640Ser; replaces asparagine 640 with serine.
Molecular consequence: missense variant.
Genome position (GRCh38, 1-based): chr5:45,262,675, T>C on the plus strand (A>G on the coding strand, the complement: HCN1 is on the minus strand). VCF-style: chr5-45262675-T-C. GRCh37 (hg19) VCF-style: chr5-45262777-T-C.
Other names: short protein forms N640S.
Identifiers: ClinVar variation 4751609 (VCV004751609.1).

ClinVar aggregate classification (germline): Uncertain significance (1 of 4 stars; one submission).

Conditions:
Early-infantile DEE. Also called: Early infantile epileptic encephalopathy; Ohtahara syndrome; Early infantile epileptic encephalopathy with suppression bursts. Identifiers: Orphanet 1934, MedGen C0393706, MONDO:0800491.

gnomAD v4.1: 1 of 1,614,108 alleles (0.000062%); highest among the groups gnomAD compares: African/African-American, 0.0013%; no homozygotes.

Submission:

Labcorp Genetics (formerly Invitae), Labcorp
Classification: Uncertain significance for Early-infantile DEE. Last evaluated: 2025-07-02. Review status: criteria provided, single submitter. Criteria: Invitae Variant Classification Sherloc (09022015). Collection method: clinical testing. Allele origin: germline.
Comment: This sequence change replaces asparagine, which is neutral and polar, with serine, which is neutral and polar, at codon 640 of the HCN1 protein (p.Asn640Ser). This variant is not present in population databases (gnomAD no frequency). This variant has not been reported in the literature in individuals affected with HCN1-related conditions. Invitae Evidence Modeling of protein sequence and biophysical properties (such as structural, functional, and spatial information, amino acid conservation, physicochemical variation, residue mobility, and thermodynamic stability) indicates that this missense variant is not expected to disrupt HCN1 protein function with a negative predictive value of 95%. In summary, the available evidence is currently insufficient to determine the role of this variant in disease. Therefore, it has been classified as a Variant of Uncertain Significance.